The following is an entry in ClinVar:

NM_001105206.3(LAMA4):c.1995T>G (p.His665Gln)

Gene: LAMA4 (laminin subunit alpha 4; minus strand). Cytogenetic location: 6q21.
Variant type: single nucleotide variant.
Coding change: c.1995T>G on transcript NM_001105206.3 (MANE Select); coding-DNA position 1995, T replaced by G.
Protein change: p.His665Gln; replaces histidine 665 with glutamine.
Molecular consequence: missense variant.
Genome position (GRCh38, 1-based): chr6:112,154,912, A>C on the plus strand (T>G on the coding strand, the complement: LAMA4 is on the minus strand). VCF-style: chr6-112154912-A-C. GRCh37 (hg19) VCF-style: chr6-112476114-A-C.
Other names: c.1974T>G, p.His658Gln (NM_001105207.3, NM_002290.5); short protein forms H665Q, H658Q.
Identifiers: ClinVar variation 1783684 (VCV001783684.5), dbSNP rs782356268, ClinGen allele CA3965615.
Genomic context (GRCh38, chr6:112,154,912, plus strand): 5'-AGACTCTGCCTTTGCTTGCAGTTCTCTGGCTTGATTGAGGAGGTTCTCACTTTCATCTTT[A>C]TGGTAAATGATTTGAGTATCAATCCCACTCACCGCCTACAAAGGAATTGAGAGAAGAGGG-3'
Protein context (NP_001098676.2, residues 655-675): VSGIDTQIIY[His665Gln]KDESENLLNQ

ClinVar aggregate classification (germline): Uncertain significance. Review status: criteria provided, multiple submitters, no conflicts (2 of 4 stars). 2 submissions from 2 submitters: Uncertain significance (2). Last evaluated 2025-05-17.

Conditions:
Cardiovascular phenotype. Identifiers: MedGen CN230736.
Dilated cardiomyopathy 1JJ (CMD1JJ). Identifiers: Orphanet 154, MedGen C3808935, MONDO:0014095, OMIM 615235.

Allele frequency attached by ClinVar (database versions not stated): ExAC 0.00001; gnomAD 0.00001; TOPMed 0.00001.
gnomAD v4.1: 5 of 1,613,378 alleles (0.00031%); highest among the groups gnomAD compares: African/African-American, 0.004%; no homozygotes.

Submissions (2):

Ambry Genetics
Classification: Uncertain significance for Cardiovascular phenotype. Last evaluated: 2025-05-17. Review status: criteria provided, single submitter. Criteria: Ambry Variant Classification Scheme 2023. Collection method: clinical testing. Allele origin: germline.
Comment: The p.H658Q variant (also known as c.1974T>G), located in coding exon 15 of the LAMA4 gene, results from a T to G substitution at nucleotide position 1974. The histidine at codon 658 is replaced by glutamine, an amino acid with highly similar properties. This amino acid position is well conserved in available vertebrate species; however, glutamine is the reference amino acid in other vertebrate species. In addition, this alteration is predicted to be tolerated by in silico analysis. Since supporting evidence is limited at this time, the clinical significance of this alteration remains unclear.

Labcorp Genetics (formerly Invitae), Labcorp
Classification: Uncertain significance for Dilated cardiomyopathy 1JJ. Last evaluated: 2024-11-16. Review status: criteria provided, single submitter. Criteria: Invitae Variant Classification Sherloc (09022015). Collection method: clinical testing. Allele origin: germline.
Comment: This sequence change replaces histidine, which is basic and polar, with glutamine, which is neutral and polar, at codon 658 of the LAMA4 protein (p.His658Gln). This variant is present in population databases (rs782356268, gnomAD 0.01%). This variant has not been reported in the literature in individuals affected with LAMA4-related conditions. ClinVar contains an entry for this variant (Variation ID: 1783684). Invitae Evidence Modeling of protein sequence and biophysical properties (such as structural, functional, and spatial information, amino acid conservation, physicochemical variation, residue mobility, and thermodynamic stability) indicates that this missense variant is not expected to disrupt LAMA4 protein function with a negative predictive value of 80%. In summary, the available evidence is currently insufficient to determine the role of this variant in disease. Therefore, it has been classified as a Variant of Uncertain Significance.